The following is an entry in ClinVar:

NM_001606.5(ABCA2):c.5976A>T (p.Gly1992=)

Genes: ABCA2 (ATP binding cassette subfamily A member 2; minus strand), LOC126860796 (CDK7 strongly-dependent group 2 enhancer GRCh37_chr9:139904888-139906087; plus strand). Cytogenetic location: 9q34.3.
Variant type: single nucleotide variant.
Coding change: c.5976A>T on transcript NM_001606.5 (MANE Select); coding-DNA position 5976, A replaced by T.
Protein change: p.Gly1992=; no amino-acid change (glycine 1992 retained).
Molecular consequence: synonymous variant.
Genome position (GRCh38, 1-based): chr9:137,011,053, T>A on the plus strand (A>T on the coding strand, the complement: ABCA2 is on the minus strand). VCF-style: chr9-137011053-T-A. GRCh37 (hg19) VCF-style: chr9-139905505-T-A.
Other names: c.5973A>T, p.Gly1991= (NM_001411042.1); c.6066A>T, p.Gly2022= (NM_212533.3).
Identifiers: ClinVar variation 5039969 (VCV005039969.1).
Genomic context (GRCh38, chr9:137,011,053, plus strand): 5'-GTACTGGCACATGATGGTCAGGAGGAAGCCCACGACGCCCTCAACCGCCATGGCCACCAG[T>A]CCGCGGGTGACAATGTCCCACTCGAACGGGGACTTCATCTTGTCAAACTGGCCTGCGGGG-3'
Protein context (NP_001597.2, residues 1982-2002): SPFEWDIVTR[Gly1992=]LVAMAVEGVV

ClinVar aggregate classification (germline): Likely benign (1 of 4 stars; one submission).

gnomAD v4.1: 1 of 1,609,704 alleles (0.000062%); highest among the groups gnomAD compares: Non-Finnish European, 0.000085%; no homozygotes.

Submission:

CeGaT Center for Human Genetics Tuebingen
Classification: Likely benign. Last evaluated: 2026-07-01. Review status: criteria provided, single submitter. Criteria: CeGaT Center For Human Genetics Tuebingen Variant Classification Criteria Version 2. Collection method: clinical testing. Allele origin: germline. Affected: yes. Observed: 1 variant allele.
Comment: ABCA2: BP4, BP7